The following is an entry in ClinVar:

ClinVar aggregate classification (germline): Uncertain significance (1 of 4 stars; one submission).

Conditions:
Familial adenomatous polyposis 1 (FAP1). Also called: FAMILIAL ADENOMATOUS POLYPOSIS 1, ATTENUATED; POLYPOSIS, ADENOMATOUS INTESTINAL. Identifiers: MedGen C2713442, MONDO:0021056, OMIM 175100. Disease mechanism: loss of function.

Submission:

Labcorp Genetics (formerly Invitae), Labcorp
Classification: Uncertain significance for Familial adenomatous polyposis 1. Last evaluated: 2020-10-28. Review status: criteria provided, single submitter. Criteria: Invitae Variant Classification Sherloc (09022015). Collection method: clinical testing. Allele origin: germline.
Comment: In summary, the available evidence is currently insufficient to determine the role of this variant in disease. Therefore, it has been classified as a Variant of Uncertain Significance. Algorithms developed to predict the effect of missense changes on protein structure and function are either unavailable or do not agree on the potential impact of this missense change (SIFT: "Deleterious"; PolyPhen-2: "Benign"; Align-GVGD: "Class C55"). This variant has not been reported in the literature in individuals with APC-related conditions. This variant is not present in population databases (ExAC no frequency). This sequence change replaces glutamic acid with lysine at codon 988 of the APC protein (p.Glu988Lys). The glutamic acid residue is highly conserved and there is a small physicochemical difference between glutamic acid and lysine.

NM_000038.6(APC):c.2962G>A (p.Glu988Lys)

Gene: APC (APC regulator of Wnt signaling pathway; plus strand). Cytogenetic location: 5q22.2.
Variant type: single nucleotide variant.
Coding change: c.2962G>A on transcript NM_000038.6 (MANE Select); coding-DNA position 2962, G replaced by A.
Protein change: p.Glu988Lys; replaces glutamic acid 988 with lysine.
Molecular consequence: missense variant.
Genome position (GRCh38, 1-based): chr5:112,838,556, G>A. VCF-style: chr5-112838556-G-A. GRCh37 (hg19) VCF-style: chr5-112174253-G-A.
Other names: c.2962G>A, p.Glu988Lys (NM_001127510.3, NM_001354895.2); c.2908G>A, p.Glu970Lys (NM_001127511.3); c.3016G>A, p.Glu1006Lys (NM_001354896.2); c.2992G>A, p.Glu998Lys (NM_001354897.2); c.2887G>A, p.Glu963Lys (NM_001354898.2); c.2878G>A, p.Glu960Lys (NM_001354899.2); c.2839G>A, p.Glu947Lys (NM_001354900.2); c.2785G>A, p.Glu929Lys (NM_001354901.2); and 5 more; short protein forms E1006K, E705K, E828K, E862K, E887K, E897K, E929K, E947K.
Identifiers: ClinVar variation 1003244 (VCV001003244.10), dbSNP rs1765305230, ClinGen allele CA16027801.